The following is an entry in ClinVar:

NM_001371986.1(UNC80):c.601-8C>T

Gene: UNC80 (unc-80 homolog, NALCN channel complex subunit; plus strand). Cytogenetic location: 2q34.
Variant type: single nucleotide variant.
Coding change: c.601-8C>T on transcript NM_001371986.1 (MANE Select); 8 bases into the intron before coding-DNA position 601, C replaced by T.
Molecular consequence: intron variant.
Genome position (GRCh38, 1-based): chr2:209,786,058, C>T. VCF-style: chr2-209786058-C-T. GRCh37 (hg19) VCF-style: chr2-210650782-C-T.
Other names: c.601-8C>T (NM_032504.2, NM_182587.4).
Identifiers: ClinVar variation 3050856 (VCV003050856.2), dbSNP rs1416233327, ClinGen allele CA764101637.

ClinVar aggregate classification (germline): Likely benign (0 of 4 stars; one submission).

Conditions:
UNC80-related disorder. Also called: UNC80-related condition.

Allele frequency attached by ClinVar (database versions not stated): gnomAD exomes below 0.00001; TOPMed below 0.00001; gnomAD 0.00001.
gnomAD v4.1: 4 of 1,612,256 alleles (0.00025%); highest among the groups gnomAD compares: Non-Finnish European, 0.00034%; no homozygotes.

Submission:

PreventionGenetics, part of Exact Sciences
Classification: Likely benign for UNC80-related condition. Last evaluated: 2019-07-10. Review status: no assertion criteria provided. Collection method: clinical testing. Allele origin: germline.
Comment: This variant is classified as likely benign based on ACMG/AMP sequence variant interpretation guidelines (Richards et al. 2015 PMID: 25741868, with internal and published modifications).